The following is an entry in ClinVar:

ClinVar aggregate classification (germline): Uncertain significance (1 of 4 stars; one submission).

Conditions:
Arthrogryposis, distal, with impaired proprioception and touch (DAIPT). Identifiers: MedGen C4310692, MONDO:0014941, OMIM 617146.

gnomAD v4.1: 1 of 1,613,686 alleles (0.000062%); highest among the groups gnomAD compares: Non-Finnish European, 0.000085%; no homozygotes.

Submission:

Dasa
Classification: Uncertain significance for Arthrogryposis, distal, with impaired proprioception and touch. Last evaluated: 2025-12-15. Review status: criteria provided, single submitter. Criteria: DASA Assertion Criteria. Collection method: clinical testing. Allele origin: germline.
Comment: NM_001378183.1(PIEZO2):c.8241C>A (p.Asn2747Lys) is a missense variant that results in the substitution of asparagine with lysine. This variant is rare in population databases. Computational prediction algorithms are consistent with a benign effect. The currently available literature and clinical evidence are not sufficient to establish a definitive association between this variant and the reported condition. Therefore, this variant is classified as a variant of uncertain significance.

NM_001378183.1(PIEZO2):c.8241C>A (p.Asn2747Lys)

Gene: PIEZO2 (piezo type mechanosensitive ion channel component 2; minus strand). Cytogenetic location: 18p11.22.
Variant type: single nucleotide variant.
Coding change: c.8241C>A on transcript NM_001378183.1 (MANE Select); coding-DNA position 8241, C replaced by A.
Protein change: p.Asn2747Lys; replaces asparagine 2747 with lysine.
Molecular consequence: missense variant.
Genome position (GRCh38, 1-based): chr18:10,672,794, G>T on the plus strand (C>A on the coding strand, the complement: PIEZO2 is on the minus strand). VCF-style: chr18-10672794-G-T. GRCh37 (hg19) VCF-style: chr18-10672791-G-T.
Other names: c.7977C>A, p.Asn2659Lys (NM_001410871.1); c.7902C>A, p.Asn2634Lys (NM_022068.4); short protein forms N2634K, N2659K, N2747K.
Identifiers: ClinVar variation 4883510 (VCV004883510.2).
Genomic context (GRCh38, chr18:10,672,794, plus strand): 5'-ATTGAAGACCACCAGTTCCAGGGCCTGAGAGTTCGGATTGTATATTCTGTTTCCAGTCAG[G>T]TTGAGAACCCACCACTCACTGTTATATTTAGTTGTATTGTCTCTGGACAAAATGATGGTA-3'
Protein context (NP_001365112.1, residues 2737-2757): TKYNSEWWVL[Asn2747Lys]LTGNRIYNPN